The following is an entry in ClinVar:

NM_020964.3(EPG5):c.6225+2T>C

Gene: EPG5 (ectopic P-granules 5 autophagy tethering factor; minus strand). Cytogenetic location: 18q12.3.
Variant type: single nucleotide variant.
Coding change: c.6225+2T>C on transcript NM_020964.3 (MANE Select); the canonical splice donor site of the intron after coding-DNA position 6225, T replaced by C.
Molecular consequence: splice donor variant.
Genome position (GRCh38, 1-based): chr18:45,870,565, A>G on the plus strand (T>C on the coding strand, the complement: EPG5 is on the minus strand). VCF-style: chr18-45870565-A-G. GRCh37 (hg19) VCF-style: chr18-43450530-A-G.
Other names: c.6225+2T>C (NM_001410858.1); c.6222+2T>C (NM_001410859.1).
Identifiers: ClinVar variation 2840107 (VCV002840107.3), dbSNP rs2511513107, ClinGen allele CA402340339.

ClinVar aggregate classification (germline): Likely pathogenic (1 of 4 stars; one submission).

Conditions:
Vici syndrome (VICIS). Identifiers: Orphanet 1493, MedGen C1855772, MONDO:0009452, OMIM 242840.

Submission:

Labcorp Genetics (formerly Invitae), Labcorp
Classification: Likely pathogenic for Vici syndrome. Last evaluated: 2023-11-06. Review status: criteria provided, single submitter. Criteria: Invitae Variant Classification Sherloc (09022015). Collection method: clinical testing. Allele origin: germline.
Comment: This sequence change affects a donor splice site in intron 36 of the EPG5 gene. It is expected to disrupt RNA splicing. Variants that disrupt the donor or acceptor splice site typically lead to a loss of protein function (PMID: 16199547), and loss-of-function variants in EPG5 are known to be pathogenic (PMID: 23222957, 23674064). This variant is not present in population databases (gnomAD no frequency). This variant has not been reported in the literature in individuals affected with EPG5-related conditions. Algorithms developed to predict the effect of sequence changes on RNA splicing suggest that this variant may disrupt the consensus splice site. In summary, the currently available evidence indicates that the variant is pathogenic, but additional data are needed to prove that conclusively. Therefore, this variant has been classified as Likely Pathogenic.

Literature cited by the submitters: PubMed 16199547; PubMed 23222957; PubMed 23674064.